The following is an entry in ClinVar:

NM_001003841.3(SLC6A19):c.898G>A (p.Glu300Lys)

Gene: SLC6A19 (solute carrier family 6 member 19; plus strand). Cytogenetic location: 5p15.33.
Variant type: single nucleotide variant.
Coding change: c.898G>A on transcript NM_001003841.3 (MANE Select); coding-DNA position 898, G replaced by A.
Protein change: p.Glu300Lys; replaces glutamic acid 300 with lysine.
Molecular consequence: missense variant.
Genome position (GRCh38, 1-based): chr5:1,216,568, G>A. VCF-style: chr5-1216568-G-A. GRCh37 (hg19) VCF-style: chr5-1216683-G-A.
Other names: short protein forms E300K.
Identifiers: ClinVar variation 1320860 (VCV001320860.2), dbSNP rs755677544, ClinGen allele CA3182951.

ClinVar aggregate classification (germline): Uncertain significance (1 of 4 stars; one submission).

Allele frequency attached by ClinVar (database versions not stated): gnomAD exomes below 0.00001 and 0.00001; ExAC 0.00001; gnomAD 0.00001.
gnomAD v4.1: 6 of 1,613,980 alleles (0.00037%); highest among the groups gnomAD compares: South Asian, 0.0033%; no homozygotes.

Submission:

GeneDx
Classification: Uncertain significance. Last evaluated: 2020-05-27. Review status: criteria provided, single submitter. Criteria: GeneDx Variant Classification Process June 2021. Collection method: clinical testing. Allele origin: germline. Affected: yes.
Comment: In silico analysis supports that this missense variant does not alter protein structure/function; Has not been previously published as pathogenic or benign to our knowledge